The following is an entry in ClinVar:

ClinVar aggregate classification (germline): Pathogenic. Review status: criteria provided, multiple submitters, no conflicts (2 of 4 stars). 9 submissions from 8 submitters: Pathogenic (7). 2 of the submissions do not count toward it. Last evaluated 2025-06-06.

Conditions:
Retinitis pigmentosa 80 (RP80). Identifiers: MedGen C4540439, MONDO:0054708, OMIM 617781.
IFT140-related disorders.
Saldino-Mainzer syndrome (SRTD9). Also called: CONORENAL SYNDROME; short-rib thoracic dysplasia 9 with or without polydactyly; SHORT-RIB THORACIC DYSPLASIA 9 WITHOUT POLYDACTYLY; Renal dysplasia, retinal pigmentary dystrophy, cerebellar ataxia and skeletal dysplasia. Identifiers: Orphanet 140969, MedGen C1849437, MONDO:0009964, OMIM 266920.

Allele frequency attached by ClinVar (database versions not stated): gnomAD exomes below 0.00001 and 0.00001; ExAC 0.00001; TOPMed 0.00001; gnomAD 0.00003 and 0.00004.
gnomAD v4.1: 13 of 1,604,608 alleles (0.00081%); highest among the groups gnomAD compares: Admixed American, 0.0067%; no homozygotes.

Submissions (9):

GeneDx
Classification: Pathogenic. Last evaluated: 2025-06-06. Review status: criteria provided, single submitter. Criteria: GeneDx Variant Classification Process June 2021. Collection method: clinical testing. Allele origin: germline. Affected: yes.
Comment: In silico analysis supports that this missense variant has a deleterious effect on protein structure/function; This variant is associated with the following publications: (PMID: 24698627, 29620724, 26359340, 31130284, 37644014, 33608557, 31964843, 36460718, 36819107, 36393898, 32860008, 22503633)

Labcorp Genetics (formerly Invitae), Labcorp
Classification: Pathogenic for Saldino-Mainzer syndrome. Last evaluated: 2025-04-17. Review status: criteria provided, single submitter. Criteria: Invitae Variant Classification Sherloc (09022015). Collection method: clinical testing. Allele origin: germline.
Comment: This sequence change replaces glutamic acid, which is acidic and polar, with lysine, which is basic and polar, at codon 664 of the IFT140 protein (p.Glu664Lys). The frequency data for this variant in the population databases is considered unreliable, as metrics indicate poor data quality at this position in the gnomAD database. This missense change has been observed in individual(s) with Mainzer-Saldino syndrome (PMID: 22503633, 31130284, 32860008). In at least one individual the data is consistent with being in trans (on the opposite chromosome) from a pathogenic variant. ClinVar contains an entry for this variant (Variation ID: 31679). Invitae Evidence Modeling of protein sequence and biophysical properties (such as structural, functional, and spatial information, amino acid conservation, physicochemical variation, residue mobility, and thermodynamic stability) has been performed for this missense variant. However, the output from this modeling did not meet the statistical confidence thresholds required to predict the impact of this variant on IFT140 protein function. Experimental studies have shown that this missense change affects IFT140 function (PMID: 22503633). For these reasons, this variant has been classified as Pathogenic.

Fulgent Genetics
Classification: Pathogenic for Saldino-Mainzer syndrome; Retinitis pigmentosa 80. Last evaluated: 2024-06-17. Review status: criteria provided, single submitter. Criteria: ACMG Guidelines, 2015. Collection method: clinical testing. Allele origin: germline.

Genomic Medicine Center of Excellence, King Faisal Specialist Hospital and Research Centre
Classification: Pathogenic for Saldino-Mainzer syndrome. Last evaluated: 2024-03-17. Review status: criteria provided, single submitter. Criteria: ACMG Guidelines, 2015. Collection method: research. Allele origin: germline.

Revvity Omics, Revvity
Classification: Pathogenic. Last evaluated: 2021-03-27. Review status: criteria provided, single submitter. Criteria: ACMG Guidelines, 2015. Collection method: clinical testing. Allele origin: germline.

Blueprint Genetics
Classification: Pathogenic for IFT140-related disorders. Last evaluated: 2020-12-23. Review status: criteria provided, single submitter. Criteria: ACMG Guidelines, 2015. Collection method: clinical testing. Allele origin: germline. Affected: yes. Observed: 1 variant allele.

CENTOGENE GmbH and LLC - Guiding Precision Medicine
Classification: Pathogenic for Saldino-Mainzer syndrome. Review status: criteria provided, single submitter. Criteria: ACMG Guidelines, 2015. Collection method: clinical testing. Allele origin: germline. Affected: yes.

OMIM
Classification: Pathogenic for SHORT-RIB THORACIC DYSPLASIA 9 WITHOUT POLYDACTYLY. Last evaluated: 2012-05-04. Review status: no assertion criteria provided. Collection method: literature only. Allele origin: germline. Not counted in ClinVar's aggregate classification.

OMIM
Classification: Pathogenic for RETINITIS PIGMENTOSA 80. Last evaluated: 2012-05-04. Review status: no assertion criteria provided. Collection method: literature only. Allele origin: germline. Not counted in ClinVar's aggregate classification.

Literature cited by the submitters: PubMed 22503633 (cited by Labcorp Genetics (formerly Invitae), Labcorp and OMIM); PubMed 31130284 (cited by Labcorp Genetics (formerly Invitae), Labcorp); PubMed 32860008 (cited by Labcorp Genetics (formerly Invitae), Labcorp and CENTOGENE GmbH and LLC - Guiding Precision Medicine); PubMed 24698627 (cited by OMIM); PubMed 26359340 (cited by OMIM); PubMed 36393898 (cited by OMIM).

NM_014714.4(IFT140):c.1990G>A (p.Glu664Lys)

Gene: IFT140 (intraflagellar transport 140; minus strand). Cytogenetic location: 16p13.3.
Variant type: single nucleotide variant.
Coding change: c.1990G>A on transcript NM_014714.4 (MANE Select); coding-DNA position 1990, G replaced by A.
Protein change: p.Glu664Lys; replaces glutamic acid 664 with lysine.
Molecular consequence: missense variant.
Genome position (GRCh38, 1-based): chr16:1,564,074, C>T on the plus strand (G>A on the coding strand, the complement: IFT140 is on the minus strand). VCF-style: chr16-1564074-C-T. GRCh37 (hg19) VCF-style: chr16-1614075-C-T.
Other names: short protein forms E664K.
Identifiers: ClinVar variation 31679 (VCV000031679.19), dbSNP rs387907192, ClinGen allele CA129885.